The following is an entry in ClinVar:

NM_000051.4(ATM):c.3967A>G (p.Lys1323Glu)

Gene: ATM (ATM serine/threonine kinase; plus strand). Cytogenetic location: 11q22.3.
Variant type: single nucleotide variant.
Coding change: c.3967A>G on transcript NM_000051.4 (MANE Select); coding-DNA position 3967, A replaced by G.
Protein change: p.Lys1323Glu; replaces lysine 1323 with glutamic acid.
Molecular consequence: missense variant.
Genome position (GRCh38, 1-based): chr11:108,284,447, A>G. VCF-style: chr11-108284447-A-G. GRCh37 (hg19) VCF-style: chr11-108155174-A-G.
Other names: c.3967A>G, p.Lys1323Glu (NM_001351834.2); short protein forms K1323E.
Identifiers: ClinVar variation 1312569 (VCV001312569.3), dbSNP rs1341465811, ClinGen allele CA382526115.
Genomic context (GRCh38, chr11:108,284,447, plus strand): 5'-ACCAGAGACAGTGGGATGGCACAGCAAAGAGAGACTGCTACCAAGGTCTATGATATGCTT[A>G]AAAGTGAAAACTTATTGGGAAAACAGGTATGGCTTCAATTTTTATGTACTTTTCATTCCC-3'
Protein context (NP_000042.3, residues 1313-1333): ETATKVYDML[Lys1323Glu]SENLLGKQID

ClinVar aggregate classification (germline): Uncertain significance (1 of 4 stars; one submission).

Submission:

GeneDx
Classification: Uncertain significance. Last evaluated: 2025-08-29. Review status: criteria provided, single submitter. Criteria: GeneDx Variant Classification Process June 2021. Collection method: clinical testing. Allele origin: germline. Affected: yes.
Comment: Not observed at significant frequency in large population cohorts (gnomAD); In silico analysis suggests that this missense variant does not alter protein structure/function; Has not been previously published as pathogenic or benign to our knowledge